The following is an entry in ClinVar:

NM_001146262.4(SYT14):c.392C>G (p.Pro131Arg)

Gene: SYT14 (synaptotagmin 14; plus strand). Cytogenetic location: 1q32.2.
Variant type: single nucleotide variant.
Coding change: c.392C>G on transcript NM_001146262.4 (MANE Select); coding-DNA position 392, C replaced by G.
Protein change: p.Pro131Arg; replaces proline 131 with arginine.
Molecular consequence: missense variant. On other transcripts: non-coding transcript variant (1).
Genome position (GRCh38, 1-based): chr1:210,021,204, C>G. VCF-style: chr1-210021204-C-G. GRCh37 (hg19) VCF-style: chr1-210194549-C-G.
Other names: c.527C>G, p.Pro176Arg (NM_001146261.4, NM_001146264.4); c.278C>G, p.Pro93Arg (NM_001256006.3); c.1262C>G, p.Pro421Arg (NM_001397544.1, NM_001397545.1); c.392C>G, p.Pro131Arg (NM_153262.5); short protein forms P131R, P176R, P93R, P421R.
Identifiers: ClinVar variation 805534 (VCV000805534.4), dbSNP rs1192775388, ClinGen allele CA344606227.

ClinVar aggregate classification (germline): Uncertain significance. Review status: criteria provided, multiple submitters, no conflicts (2 of 4 stars). 3 submissions from 3 submitters: Uncertain significance (3). Last evaluated 2023-12-09.

Conditions:
Autosomal recessive spinocerebellar ataxia 11. Identifiers: Orphanet 284271, MedGen C5190803, MONDO:0013645, OMIM 614229.

Allele frequency attached by ClinVar (database versions not stated): gnomAD 0.00002.
gnomAD v4.1: 4 of 1,613,852 alleles (0.00025%); highest among the groups gnomAD compares: Admixed American, 0.0067%; no homozygotes.

Submissions (3):

Ambry Genetics
Classification: Uncertain significance. Last evaluated: 2023-12-09. Review status: criteria provided, single submitter. Criteria: Ambry Variant Classification Scheme 2023. Collection method: clinical testing. Allele origin: germline.

Athena Diagnostics
Classification: Uncertain significance. Last evaluated: 2018-09-27. Review status: criteria provided, single submitter. Criteria: Athena Diagnostics Criteria. Collection method: clinical testing. Allele origin: germline.

Baylor Genetics
Classification: Uncertain significance for Autosomal recessive spinocerebellar ataxia 11. Last evaluated: 2018-06-19. Review status: criteria provided, single submitter. Criteria: ACMG Guidelines, 2015. Collection method: clinical testing. Allele origin: unknown. Affected: yes.
Comment: This variant was determined to be of uncertain significance according to ACMG Guidelines, 2015 [PMID:25741868].